The following is an entry in ClinVar:

NM_025114.4(CEP290):c.4150C>T (p.Arg1384Cys)

Gene: CEP290 (centrosomal protein 290; minus strand). Cytogenetic location: 12q21.32.
Variant type: single nucleotide variant.
Coding change: c.4150C>T on transcript NM_025114.4 (MANE Select); coding-DNA position 4150, C replaced by T.
Protein change: p.Arg1384Cys; replaces arginine 1384 with cysteine.
Molecular consequence: missense variant.
Genome position (GRCh38, 1-based): chr12:88,087,824, G>A on the plus strand (C>T on the coding strand, the complement: CEP290 is on the minus strand). VCF-style: chr12-88087824-G-A. GRCh37 (hg19) VCF-style: chr12-88481601-G-A.
Other names: short protein forms R1384C.
Identifiers: ClinVar variation 196793 (VCV000196793.18), dbSNP rs794727563, ClinGen allele CA244169.

ClinVar aggregate classification (germline): Uncertain significance. Review status: criteria provided, multiple submitters, no conflicts (2 of 4 stars). 7 submissions from 7 submitters: Uncertain significance (6). 1 of the submissions does not count toward it. Last evaluated 2026-04-26.

Conditions:
CEP290-related disorder. Also called: CEP290-related condition; CEP290-related disorders. Identifiers: MedGen CN239314.
Joubert syndrome. Also called: Familial aplasia of the vermis; JOUBERT-BOLTSHAUSER SYNDROME. Identifiers: Orphanet 475, MedGen C5979921, MONDO:0018772.
Meckel-Gruber syndrome. Also called: GRUBER SYNDROME; Dysencephalia splachnocystica; DYSENCEPHALIA SPLANCHNOCYSTICA. Identifiers: Orphanet 564, MedGen C0265215, MONDO:0018921.
Nephronophthisis. Also called: Juvenile Nephronophthisis. Identifiers: Orphanet 655, MedGen C0687120, MONDO:0019005, HP:0000090.
Leber congenital amaurosis 10 (LCA10). Identifiers: Orphanet 65, MedGen C1857821, MONDO:0012723, OMIM 611755.
Meckel syndrome, type 4 (MKS4). Also called: MECKEL-GRUBER SYNDROME, TYPE 4. Identifiers: Orphanet 564, MedGen C1970161, MONDO:0012626, OMIM 611134.
Senior-Loken syndrome 6 (SLSN6). Identifiers: Orphanet 3156, MedGen C1857779, MONDO:0012433, OMIM 610189.
Bardet-Biedl syndrome 14 (BBS14). Identifiers: Orphanet 110, MedGen C2673874, MONDO:0014442, OMIM 615991.
Joubert syndrome 5 (JBTS5). Identifiers: Orphanet 2318, MedGen C1857780, MONDO:0012432, OMIM 610188.
Leber congenital amaurosis (LCA). Also called: Leber's amaurosis. Identifiers: Orphanet 65, MedGen C0339527, MeSH D057130, MONDO:0018998.

Allele frequency attached by ClinVar (database versions not stated): gnomAD 0.00001; gnomAD exomes 0.00002 and 0.00008; TOPMed 0.00002.
gnomAD v4.1: 26 of 1,285,596 alleles (0.002%); highest among the groups gnomAD compares: South Asian, 0.0053%; no homozygotes.

Submissions (7):

PreventionGenetics, part of Exact Sciences
Classification: Uncertain significance for CEP290-related condition. Last evaluated: 2026-04-26. Review status: criteria provided, single submitter. Criteria: ACMG Guidelines, 2015. Collection method: clinical testing. Allele origin: germline.
Comment: The CEP290 c.4150C>T variant is predicted to result in the amino acid substitution p.Arg1384Cys. This variant was reported in the homozygous state in an individual who underwent whole exome sequencing due to a personal history of developmental delay and seizures; however, no evidence was provided regarding the pathogenicity of this variant (Supplementary Materials, Monies et al. 2017. PubMed ID: 28600779). This variant is reported in 0.010% of alleles in individuals of South Asian descent in gnomAD. At this time, the clinical significance of this variant is uncertain due to the absence of conclusive functional and genetic evidence.

Blueprint Genetics
Classification: Uncertain significance. Last evaluated: 2024-08-12. Review status: criteria provided, single submitter. Criteria: ACMG Guidelines, 2015. Collection method: clinical testing. Allele origin: germline.

Labcorp Genetics (formerly Invitae), Labcorp
Classification: Uncertain significance for Joubert syndrome; Meckel-Gruber syndrome; Nephronophthisis. Last evaluated: 2022-02-28. Review status: criteria provided, single submitter. Criteria: Invitae Variant Classification Sherloc (09022015). Collection method: clinical testing. Allele origin: germline.
Comment: This sequence change replaces arginine, which is basic and polar, with cysteine, which is neutral and slightly polar, at codon 1384 of the CEP290 protein (p.Arg1384Cys). This variant is present in population databases (rs794727563, gnomAD 0.01%). This variant has not been reported in the literature in individuals affected with CEP290-related conditions. ClinVar contains an entry for this variant (Variation ID: 196793). Algorithms developed to predict the effect of missense changes on protein structure and function (SIFT, PolyPhen-2, Align-GVGD) all suggest that this variant is likely to be tolerated. In summary, the available evidence is currently insufficient to determine the role of this variant in disease. Therefore, it has been classified as a Variant of Uncertain Significance.

Fulgent Genetics
Classification: Uncertain significance for Joubert syndrome 5; Senior-Loken syndrome 6; Meckel syndrome, type 4; Leber congenital amaurosis 10; Bardet-Biedl syndrome 14. Last evaluated: 2021-07-06. Review status: criteria provided, single submitter. Criteria: ACMG Guidelines, 2015. Collection method: clinical testing. Allele origin: unknown.

Genome-Nilou Lab
Classification: Uncertain significance for Joubert syndrome 5. Last evaluated: 2021-05-18. Review status: criteria provided, single submitter. Criteria: ACMG Guidelines, 2015. Collection method: clinical testing. Allele origin: germline. Affected: no.

Eurofins Ntd Llc (ga)
Classification: Uncertain significance. Last evaluated: 2015-05-29. Review status: criteria provided, single submitter. Criteria: EGL Classification Definitions 2015. Collection method: clinical testing. Allele origin: germline. Observed: 1 variant allele, 1 heterozygote.

Natera, Inc.
Classification: Uncertain significance for Leber congenital amaurosis. Last evaluated: 2020-07-10. Review status: no assertion criteria provided. Collection method: clinical testing. Allele origin: germline. Not counted in ClinVar's aggregate classification.